The following is an entry in ClinVar:

ClinVar aggregate classification (germline): Uncertain significance (1 of 4 stars; one submission).

Allele frequency attached by ClinVar (database versions not stated): TOPMed 0.00001.

Submission:

Labcorp Genetics (formerly Invitae), Labcorp
Classification: Uncertain significance. Last evaluated: 2022-03-11. Review status: criteria provided, single submitter. Criteria: Invitae Variant Classification Sherloc (09022015). Collection method: clinical testing. Allele origin: germline.
Comment: This variant has not been reported in the literature in individuals affected with C1S-related conditions. Algorithms developed to predict the effect of missense changes on protein structure and function output the following: SIFT: "Tolerated"; PolyPhen-2: "Benign"; Align-GVGD: "Class C0". The glutamic acid amino acid residue is found in multiple mammalian species, which suggests that this missense change does not adversely affect protein function. In summary, the available evidence is currently insufficient to determine the role of this variant in disease. Therefore, it has been classified as a Variant of Uncertain Significance. This variant is not present in population databases (gnomAD no frequency). This sequence change replaces glycine, which is neutral and non-polar, with glutamic acid, which is acidic and polar, at codon 75 of the C1S protein (p.Gly75Glu).

NM_001734.5(C1S):c.224G>A (p.Gly75Glu)

Gene: C1S (complement C1s; plus strand). Cytogenetic location: 12p13.31.
Variant type: single nucleotide variant.
Coding change: c.224G>A on transcript NM_001734.5 (MANE Select); coding-DNA position 224, G replaced by A.
Protein change: p.Gly75Glu; replaces glycine 75 with glutamic acid.
Molecular consequence: missense variant. On other transcripts: 5 prime UTR variant (1).
Genome position (GRCh38, 1-based): chr12:7,062,900, G>A. VCF-style: chr12-7062900-G-A. GRCh37 (hg19) VCF-style: chr12-7170204-G-A.
Other names: c.-278G>A (NM_001346850.2); c.224G>A, p.Gly75Glu (NM_201442.4); short protein forms G75E.
Identifiers: ClinVar variation 2108776 (VCV002108776.4), dbSNP rs1241851450, ClinGen allele CA383688764.